The following is an entry in ClinVar:

ClinVar aggregate classification (germline): Benign. Review status: criteria provided, multiple submitters, no conflicts (2 of 4 stars). 5 submissions from 5 submitters: Benign (4). 1 of the submissions does not count toward it. Last evaluated 2024-04-04.

Conditions:
Duchenne muscular dystrophy (DMD). Also called: MUSCULAR DYSTROPHY, PSEUDOHYPERTROPHIC PROGRESSIVE, DUCHENNE TYPE; Duchenne Muscular Dystrophy (DMD). Identifiers: Orphanet 98896, MedGen C0013264, MONDO:0010679, OMIM 310200.
DMD-related disorder. Also called: DMD-related condition.
Cardiovascular phenotype. Identifiers: MedGen CN230736.

Allele frequency attached by ClinVar (database versions not stated): gnomAD below 0.00001 and 0.00003; TOPMed 0.00002; gnomAD exomes 0.00007 and 0.00014; ExAC 0.00020.
gnomAD v4.1: 79 of 1,208,883 alleles (0.0065%); highest among the groups gnomAD compares: South Asian, 0.14%; no homozygotes.

Submissions (5):

Labcorp Genetics (formerly Invitae), Labcorp
Classification: Benign for Duchenne muscular dystrophy. Last evaluated: 2024-04-04. Review status: criteria provided, single submitter. Criteria: Invitae Variant Classification Sherloc (09022015). Collection method: clinical testing. Allele origin: germline.

Blueprint Genetics
Classification: Benign. Last evaluated: 2023-09-11. Review status: criteria provided, single submitter. Criteria: ACMG Guidelines, 2015. Collection method: clinical testing. Allele origin: germline.

Ambry Genetics
Classification: Benign for Cardiovascular phenotype. Last evaluated: 2023-04-06. Review status: criteria provided, single submitter. Criteria: Ambry Variant Classification Scheme 2023. Collection method: clinical testing. Allele origin: germline.

Genomic Research Center, Shahid Beheshti University of Medical Sciences
Classification: Benign for Duchenne muscular dystrophy. Last evaluated: 2020-05-03. Review status: criteria provided, single submitter. Criteria: ACMG Guidelines, 2015. Collection method: clinical testing. Allele origin: unknown. Affected: yes.

PreventionGenetics, part of Exact Sciences
Classification: Likely benign for DMD-related condition. Last evaluated: 2020-03-19. Review status: no assertion criteria provided. Collection method: clinical testing. Allele origin: germline. Not counted in ClinVar's aggregate classification.
Comment: This variant is classified as likely benign based on ACMG/AMP sequence variant interpretation guidelines (Richards et al. 2015 PMID: 25741868, with internal and published modifications).

NM_004006.3(DMD):c.4115C>T (p.Ala1372Val)

Gene: DMD (dystrophin; minus strand). Cytogenetic location: Xp21.1.
Variant type: single nucleotide variant.
Coding change: c.4115C>T on transcript NM_004006.3 (MANE Select); coding-DNA position 4115, C replaced by T.
Protein change: p.Ala1372Val; replaces alanine 1372 with valine.
Molecular consequence: missense variant.
Genome position (GRCh38, 1-based): chrX:32,411,870, G>A on the plus strand (C>T on the coding strand, the complement: DMD is on the minus strand). VCF-style: chrX-32411870-G-A. GRCh37 (hg19) VCF-style: chrX-32429987-G-A.
Other names: c.4091C>T, p.Ala1364Val (NM_000109.4); c.4103C>T, p.Ala1368Val (NM_004009.3); c.3746C>T, p.Ala1249Val (NM_004010.3); c.92C>T, p.Ala31Val (NM_004011.4); c.83C>T, p.Ala28Val (NM_004012.4); short protein forms A1372V, A1249V, A28V, A31V, A1364V, A1368V.
Identifiers: ClinVar variation 522691 (VCV000522691.23), dbSNP rs759108067, ClinGen allele CA10379037.